The following is an entry in ClinVar:

ClinVar aggregate classification (germline): Uncertain significance (1 of 4 stars; one submission).

Conditions:
Hereditary cancer-predisposing syndrome. Also called: Tumor predisposition; Neoplastic Syndromes, Hereditary; Hereditary Cancer Syndrome; Hereditary neoplastic syndrome. Identifiers: Orphanet 140162, MedGen C0027672, MeSH D009386, MONDO:0015356.

Submission:

Ambry Genetics
Classification: Uncertain significance for Hereditary cancer-predisposing syndrome. Last evaluated: 2024-07-31. Review status: criteria provided, single submitter. Criteria: Ambry Variant Classification Scheme 2023. Collection method: clinical testing. Allele origin: germline.
Comment: The p.E2475A variant (also known as c.7424A>C), located in coding exon 13 of the BRCA2 gene, results from an A to C substitution at nucleotide position 7424. The glutamic acid at codon 2475 is replaced by alanine, an amino acid with dissimilar properties. This amino acid position is conserved. In addition, this alteration is predicted to be tolerated by in silico analysis. Based on the available evidence, the clinical significance of this variant remains unclear.

NM_000059.4(BRCA2):c.7424A>C (p.Glu2475Ala)

Gene: BRCA2 (BRCA2 DNA repair associated; plus strand). Cytogenetic location: 13q13.1.
Variant type: single nucleotide variant.
Coding change: c.7424A>C on transcript NM_000059.4 (MANE Select); coding-DNA position 7424, A replaced by C.
Protein change: p.Glu2475Ala; replaces glutamic acid 2475 with alanine.
Molecular consequence: missense variant. On other transcripts: non-coding transcript variant (1).
Genome position (GRCh38, 1-based): chr13:32,355,277, A>C. VCF-style: chr13-32355277-A-C. GRCh37 (hg19) VCF-style: chr13-32929414-A-C.
Other names: c.7328A>C, p.Glu2443Ala (NM_001406719.1); c.7424A>C, p.Glu2475Ala (NM_001406720.1, NM_001432077.1); c.2492A>C, p.Glu831Ala (NM_001406721.1); c.1007A>C, p.Glu336Ala (NM_001406722.1); short protein forms E336A, E2443A, E2475A, E831A.
Identifiers: ClinVar variation 3482047 (VCV003482047.1).